The following is an entry in ClinVar:

NM_020778.5(ALPK3):c.705del (p.Ser236fs)

Gene: ALPK3 (alpha kinase 3; plus strand). Cytogenetic location: 15q25.3.
Variant type: Deletion.
Coding change: c.705del on transcript NM_020778.5 (MANE Select); coding-DNA position 705, one base deleted (C; older notation c.705delC).
Protein change: p.Ser236fs; shifts the reading frame from serine 236.
Molecular consequence: frameshift variant.
Genome position (GRCh38, 1-based): chr15:84,839,984, C deleted; the last of 4 consecutive C bases (chr15:84,839,981-84,839,984); deleting any one gives the same sequence. VCF-style (leftmost placement, unchanged base first): chr15-84839980-GC-G. GRCh37 (hg19) VCF-style: chr15-85383211-GC-G.
Other names: short protein forms S236fs.
Identifiers: ClinVar variation 2994340 (VCV002994340.4), dbSNP rs2505705330, ClinGen allele CA2630109261.

ClinVar aggregate classification (germline): Pathogenic/Likely pathogenic. Review status: criteria provided, multiple submitters, no conflicts (2 of 4 stars). 2 submissions from 2 submitters: Pathogenic (1); Likely pathogenic (1). Last evaluated 2024-07-02.

Conditions:
ALPK3-related disorder. Also called: ALPK3-related condition.

Submissions (2):

Blueprint Genetics
Classification: Likely pathogenic for ALPK3-related disorders. Last evaluated: 2024-07-02. Review status: criteria provided, single submitter. Criteria: ACMG Guidelines, 2015. Collection method: clinical testing. Allele origin: germline. Affected: yes. Observed: 1 variant allele.

Labcorp Genetics (formerly Invitae), Labcorp
Classification: Pathogenic. Last evaluated: 2022-12-23. Review status: criteria provided, single submitter. Criteria: Invitae Variant Classification Sherloc (09022015). Collection method: clinical testing. Allele origin: germline.
Comment: This sequence change creates a premature translational stop signal (p.Ser438Argfs*30) in the ALPK3 gene. It is expected to result in an absent or disrupted protein product. Loss-of-function variants in ALPK3 are known to be pathogenic (PMID: 21441111, 26846950, 27106955, 34263907). This variant is not present in population databases (gnomAD no frequency). For these reasons, this variant has been classified as Pathogenic. This variant has not been reported in the literature in individuals affected with ALPK3-related conditions.

Literature cited by the submitters: PubMed 21441111 (cited by Labcorp Genetics (formerly Invitae), Labcorp); PubMed 26846950 (cited by Labcorp Genetics (formerly Invitae), Labcorp); PubMed 27106955 (cited by Labcorp Genetics (formerly Invitae), Labcorp); PubMed 34263907 (cited by Labcorp Genetics (formerly Invitae), Labcorp).